The following is an entry in ClinVar:

NM_000135.4(FANCA):c.396dup (p.His133fs)

Gene: FANCA (FA complementation group A; minus strand). Cytogenetic location: 16q24.3.
Variant type: Duplication.
Coding change: c.396dup on transcript NM_000135.4 (MANE Select); coding-DNA position 396, one base duplicated (T; older notation c.396dupT).
Protein change: p.His133fs; shifts the reading frame from histidine 133.
Molecular consequence: frameshift variant.
Genome position (GRCh38, 1-based): chr16:89,810,959, A duplicated on the plus strand (T on the coding strand, the reverse complement: FANCA is on the minus strand). VCF-style (leftmost placement, unchanged base first): chr16-89810958-G-GA. GRCh37 (hg19) VCF-style: chr16-89877366-G-GA.
Other names: c.396dup, p.His133fs (NM_001018112.3, NM_001286167.3, NM_001351830.2); short protein forms H133fs.
Identifiers: ClinVar variation 974096 (VCV000974096.1), dbSNP rs2040855193, ClinGen allele CA1139664989.

ClinVar aggregate classification (germline): Pathogenic (0 of 4 stars; one submission).

Conditions:
Fanconi anemia complementation group A (FANCA). Also called: Fanconi anemia, group A; FANCA-Related Fanconi Anemia. Identifiers: Orphanet 84, MedGen C3469521, MONDO:0009215, OMIM 227650.

Submission:

Leiden Open Variation Database
Classification: Pathogenic for Fanconi anemia complementation group A. Last evaluated: 2020-02-28. Review status: no assertion criteria provided. Collection method: curation. Allele origin: germline. Affected: yes.
Comment: Curator: Arleen D. Auerbach. Submitter to LOVD: Daniela Pilonetto.